The following is an entry in ClinVar:

NM_002691.4(POLD1):c.1278C>T (p.Gly426=)

Gene: POLD1 (DNA polymerase delta 1, catalytic subunit; plus strand). Cytogenetic location: 19q13.33.
Variant type: single nucleotide variant.
Coding change: c.1278C>T on transcript NM_002691.4 (MANE Select); coding-DNA position 1278, C replaced by T.
Protein change: p.Gly426=; no amino-acid change (glycine 426 retained).
Molecular consequence: synonymous variant. On other transcripts: non-coding transcript variant (1).
Genome position (GRCh38, 1-based): chr19:50,406,217, C>T. VCF-style: chr19-50406217-C-T. GRCh37 (hg19) VCF-style: chr19-50909474-C-T.
Other names: c.1278C>T, p.Gly426= (NM_001256849.1, NM_001308632.1).
Identifiers: ClinVar variation 486065 (VCV000486065.19), dbSNP rs751077073, ClinGen allele CA9596097.

ClinVar aggregate classification (germline): Benign/Likely benign. Review status: criteria provided, multiple submitters, no conflicts (2 of 4 stars). 6 submissions from 6 submitters: Benign (1); Likely benign (5). Last evaluated 2026-01-31.

Conditions:
Hereditary cancer-predisposing syndrome. Also called: Tumor predisposition; Hereditary Cancer Syndrome; Hereditary neoplastic syndrome; Neoplastic Syndromes, Hereditary. Identifiers: Orphanet 140162, MedGen C0027672, MeSH D009386, MONDO:0015356.
POLD1-related polyposis and colorectal cancer syndrome (CRCS10). Also called: Colorectal cancer 10; COLORECTAL CANCER, SUSCEPTIBILITY TO, ON CHROMOSOME 19q; Colorectal cancer, susceptibility to, 10. Identifiers: Orphanet 220460, MedGen C2675481, MONDO:0012953, OMIM 612591.

Allele frequency attached by ClinVar (database versions not stated): gnomAD exomes 0.00001; ExAC 0.00002; gnomAD 0.00003.
gnomAD v4.1: 8 of 1,613,990 alleles (0.0005%); highest among the groups gnomAD compares: Middle Eastern, 0.016%; no homozygotes.

Submissions (6):

Labcorp Genetics (formerly Invitae), Labcorp
Classification: Likely benign for POLD1-related polyposis and colorectal cancer syndrome. Last evaluated: 2026-01-31. Review status: criteria provided, single submitter. Criteria: Invitae Variant Classification Sherloc (09022015). Collection method: clinical testing. Allele origin: germline.

Center for Genomic Medicine, Rigshospitalet, Copenhagen University Hospital
Classification: Likely benign. Last evaluated: 2025-03-04. Review status: criteria provided, single submitter. Criteria: ACMG Guidelines, 2015. Collection method: clinical testing. Allele origin: germline.

Myriad Genetics, Inc.
Classification: Benign for POLD1-related polyposis and colorectal cancer syndrome. Last evaluated: 2025-02-06. Review status: criteria provided, single submitter. Criteria: Myriad Autosomal Dominant, Autosomal Recessive and X-Linked Classification Criteria (2023). Collection method: clinical testing. Allele origin: unknown.
Comment: This variant is considered benign. This variant is a silent/synonymous amino acid change and it is not expected to impact splicing.

Blueprint Genetics
Classification: Likely benign. Last evaluated: 2023-02-23. Review status: criteria provided, single submitter. Criteria: ACMG Guidelines, 2015. Collection method: clinical testing. Allele origin: germline.

GeneDx
Classification: Likely benign. Last evaluated: 2017-03-11. Review status: criteria provided, single submitter. Criteria: GeneDx Variant Classification (06012015). Collection method: clinical testing. Allele origin: germline. Affected: yes.
Comment: This variant is considered likely benign or benign based on one or more of the following criteria: it is a conservative change, it occurs at a poorly conserved position in the protein, it is predicted to be benign by multiple in silico algorithms, and/or has population frequency not consistent with disease.

Ambry Genetics
Classification: Likely benign for Hereditary cancer-predisposing syndrome. Last evaluated: 2017-02-10. Review status: criteria provided, single submitter. Criteria: Ambry Variant Classification Scheme 2023. Collection method: clinical testing. Allele origin: germline.